The following is an entry in ClinVar:

ClinVar aggregate classification (germline): Conflicting classifications of pathogenicity. Review status: criteria provided, conflicting classifications (1 of 4 stars). 6 submissions from 6 submitters: Uncertain significance (1); Benign (1); Likely benign (4). Last evaluated 2025-09-02.

Conditions:
Sotos syndrome (SOTOS). Also called: CEREBRAL GIGANTISM; Sotos' syndrome; Distinctive facial appearance, overgrowth in childhood, and learning disabilities or delayed development; CHROMOSOME 5q35 DELETION SYNDROME; SOTOS SYNDROME 1. Identifiers: Orphanet 821, MedGen C0175695, MONDO:0019349, OMIM 117550.
Inborn genetic diseases. Identifiers: MedGen C0950123, MeSH D030342.
NSD1-related disorder. Also called: NSD1-related condition.

Allele frequency attached by ClinVar (database versions not stated): gnomAD 0.00007 and 0.00008; ESP Exome Variant Server 0.00015; TOPMed 0.00010.
gnomAD v4.1: 34 of 1,614,086 alleles (0.0021%); highest among the groups gnomAD compares: African/African-American, 0.017%; no homozygotes.

Submissions (6):

Labcorp Genetics (formerly Invitae), Labcorp
Classification: Benign. Last evaluated: 2025-09-02. Review status: criteria provided, single submitter. Criteria: Invitae Variant Classification Sherloc (09022015). Collection method: clinical testing. Allele origin: germline.

PreventionGenetics, part of Exact Sciences
Classification: Likely benign for NSD1-related condition. Last evaluated: 2025-07-02. Review status: criteria provided, single submitter. Criteria: ACMG Guidelines, 2015. Collection method: clinical testing. Allele origin: germline.
Comment: This variant is classified as likely benign based on ACMG/AMP sequence variant interpretation guidelines (Richards et al. 2015 PMID: 25741868, with internal and published modifications).

Genome-Nilou Lab
Classification: Likely benign for Sotos syndrome. Last evaluated: 2021-07-15. Review status: criteria provided, single submitter. Criteria: ACMG Guidelines, 2015. Collection method: clinical testing. Allele origin: germline. Affected: no.

GeneDx
Classification: Likely benign. Last evaluated: 2020-06-23. Review status: criteria provided, single submitter. Criteria: GeneDx Variant Classification Process June 2021. Collection method: clinical testing. Allele origin: germline. Affected: yes.
Comment: This variant is associated with the following publications: (PMID: 18001468)

Ambry Genetics
Classification: Likely benign for Inborn genetic diseases. Last evaluated: 2018-01-05. Review status: criteria provided, single submitter. Criteria: Ambry Variant Classification Scheme 2023. Collection method: clinical testing. Allele origin: germline.

Genetic Services Laboratory, University of Chicago
Classification: Uncertain significance. Last evaluated: 2016-10-14. Review status: criteria provided, single submitter. Criteria: ACMG Guidelines, 2015. Collection method: clinical testing. Allele origin: germline. Affected: no.

Literature cited by the submitters: PubMed 18001468 (cited by Ambry Genetics).

NM_022455.5(NSD1):c.2465C>G (p.Ser822Cys)

Gene: NSD1 (nuclear receptor binding SET domain protein 1; plus strand). Cytogenetic location: 5q35.3.
Variant type: single nucleotide variant.
Coding change: c.2465C>G on transcript NM_022455.5 (MANE Select); coding-DNA position 2465, C replaced by G.
Protein change: p.Ser822Cys; replaces serine 822 with cysteine.
Molecular consequence: missense variant.
Genome position (GRCh38, 1-based): chr5:177,210,864, C>G. VCF-style: chr5-177210864-C-G. GRCh37 (hg19) VCF-style: chr5-176637865-C-G.
Other names: c.1592C>G, p.Ser531Cys (NM_001365684.2, NM_001409306.1, NM_001409307.1 and 3 more transcripts); c.2465C>G, p.Ser822Cys (NM_001409301.1, NM_001409302.1, NM_001409303.1); c.2045C>G, p.Ser682Cys (NM_001409304.1); c.1712C>G, p.Ser571Cys (NM_001409305.1); short protein forms S822C, S553C, S531C, S682C, S571C.
Identifiers: ClinVar variation 436060 (VCV000436060.21), dbSNP rs377684553, ClinGen allele CA3577272.